The following is an entry in ClinVar:

ClinVar aggregate classification (germline): Pathogenic (1 of 4 stars; one submission).

Submission:

Labcorp Genetics (formerly Invitae), Labcorp
Classification: Pathogenic. Last evaluated: 2024-04-15. Review status: criteria provided, single submitter. Criteria: Invitae Variant Classification Sherloc (09022015). Collection method: clinical testing. Allele origin: germline.
Comment: This sequence change replaces tryptophan, which is neutral and slightly polar, with cysteine, which is neutral and slightly polar, at codon 4464 of the USH2A protein (p.Trp4464Cys). This variant is not present in population databases (gnomAD no frequency). This missense change has been observed in individual(s) with clinical features of Usher syndrome (Invitae). In at least one individual the data is consistent with being in trans (on the opposite chromosome) from a pathogenic variant. Advanced modeling of protein sequence and biophysical properties (such as structural, functional, and spatial information, amino acid conservation, physicochemical variation, residue mobility, and thermodynamic stability) performed at Invitae indicates that this missense variant is expected to disrupt USH2A protein function with a positive predictive value of 95%. For these reasons, this variant has been classified as Pathogenic.

NM_206933.4(USH2A):c.13392G>T (p.Trp4464Cys)

Gene: USH2A (usherin; minus strand). Cytogenetic location: 1q41.
Variant type: single nucleotide variant.
Coding change: c.13392G>T on transcript NM_206933.4 (MANE Select); coding-DNA position 13392, G replaced by T.
Protein change: p.Trp4464Cys; replaces tryptophan 4464 with cysteine.
Molecular consequence: missense variant.
Genome position (GRCh38, 1-based): chr1:215,674,519, C>A on the plus strand (G>T on the coding strand, the complement: USH2A is on the minus strand). VCF-style: chr1-215674519-C-A. GRCh37 (hg19) VCF-style: chr1-215847861-C-A.
Other names: short protein forms W4464C.
Identifiers: ClinVar variation 2771449 (VCV002771449.3), dbSNP rs1219505844, ClinGen allele CA344845419.
Genomic context (GRCh38, chr1:215,674,519, plus strand): 5'-GGTTCCATCCCTCCTAAGTTCATAACTTCTGATCTGGCCATTTGGGTTTCTTGGAGGTTT[C>A]CAGGTGATTTCTATTGATTCTGAGCCTGTGACTTGCAATGTTGGAGAGTCCATGTTCTCT-3'
Protein context (NP_996816.3, residues 4454-4474): VTGSESIEIT[Trp4464Cys]KPPRNPNGQI